The following is an entry in ClinVar:

ClinVar aggregate classification (germline): Pathogenic (0 of 4 stars; one submission).

Conditions:
COL6A1-related disorder. Also called: COL6A1-related condition.

Submission:

PreventionGenetics, part of Exact Sciences
Classification: Pathogenic for COL6A1-related condition. Last evaluated: 2024-05-21. Review status: no assertion criteria provided. Collection method: clinical testing. Allele origin: germline.
Comment: The COL6A1 c.2137C>T variant is predicted to result in premature protein termination (p.Gln713*). To our knowledge, this variant has not been reported in association with COL6A1-related muscular disorders. This variant has not been reported in a large population database, indicating this variant is rare. Nonsense variants in COL6A1 are expected to be pathogenic. This variant is interpreted as pathogenic.

NM_001848.3(COL6A1):c.2137C>T (p.Gln713Ter)

Gene: COL6A1 (collagen type VI alpha 1 chain; plus strand). Cytogenetic location: 21q22.3.
Variant type: single nucleotide variant.
Coding change: c.2137C>T on transcript NM_001848.3 (MANE Select); coding-DNA position 2137, C replaced by T.
Protein change: p.Gln713Ter; replaces glutamine 713 with a stop codon.
Molecular consequence: nonsense.
Genome position (GRCh38, 1-based): chr21:46,002,288, C>T. VCF-style: chr21-46002288-C-T. GRCh37 (hg19) VCF-style: chr21-47422202-C-T.
Other names: short protein forms Q713*.
Identifiers: ClinVar variation 3357246 (VCV003357246.1).